The following is an entry in ClinVar:

NM_002227.4(JAK1):c.1072A>C (p.Lys358Gln)

Gene: JAK1 (Janus kinase 1; minus strand). Cytogenetic location: 1p31.3.
Variant type: single nucleotide variant.
Coding change: c.1072A>C on transcript NM_002227.4 (MANE Select); coding-DNA position 1072, A replaced by C.
Protein change: p.Lys358Gln; replaces lysine 358 with glutamine.
Molecular consequence: missense variant.
Genome position (GRCh38, 1-based): chr1:64,864,891, T>G on the plus strand (A>C on the coding strand, the complement: JAK1 is on the minus strand). VCF-style: chr1-64864891-T-G. GRCh37 (hg19) VCF-style: chr1-65330574-T-G.
Other names: c.1072A>C, p.Lys358Gln (NM_001321852.2, NM_001321853.2, NM_001321854.2 and 4 more transcripts); short protein forms K358Q.
Identifiers: ClinVar variation 4760470 (VCV004760470.1).

ClinVar aggregate classification (germline): Uncertain significance (1 of 4 stars; one submission).

Submission:

Labcorp Genetics (formerly Invitae), Labcorp
Classification: Uncertain significance. Last evaluated: 2026-01-06. Review status: criteria provided, single submitter. Criteria: Invitae Variant Classification Sherloc (09022015). Collection method: clinical testing. Allele origin: germline.
Comment: This sequence change replaces lysine, which is basic and polar, with glutamine, which is neutral and polar, at codon 358 of the JAK1 protein (p.Lys358Gln). This variant is not present in population databases (gnomAD no frequency). This variant has not been reported in the literature in individuals affected with JAK1-related conditions. Invitae Evidence Modeling of protein sequence and biophysical properties (such as structural, functional, and spatial information, amino acid conservation, physicochemical variation, residue mobility, and thermodynamic stability) indicates that this missense variant is not expected to disrupt JAK1 protein function with a negative predictive value of 80%. In summary, the available evidence is currently insufficient to determine the role of this variant in disease. Therefore, it has been classified as a Variant of Uncertain Significance.